The following is an entry in ClinVar:

ClinVar aggregate classification (germline): Uncertain significance (1 of 4 stars; one submission).

Allele frequency attached by ClinVar (database versions not stated): gnomAD 0.00001; gnomAD exomes 0.00002 and 0.00005; ExAC 0.00005; 1000 Genomes Project 30x 0.00016; 1000 Genomes Project 0.00020.
gnomAD v4.1: 28 of 1,613,150 alleles (0.0017%); highest among the groups gnomAD compares: South Asian, 0.03%; no homozygotes.

Submission:

Laboratory for Molecular Medicine, Mass General Brigham Personalized Medicine
Classification: Uncertain significance. Last evaluated: 2013-12-26. Review status: criteria provided, single submitter. Criteria: LMM Criteria. Collection method: clinical testing. Allele origin: germline. Observed: 1 variant allele.
Comment: The Glu4179Ala variant in TTN has not been reported in individuals with cardiomy opathy or in large population studies. Computational predictions are limited or not available for this variant. Additional information is needed to fully assess its clinical significance.

NM_133379.5(TTN):c.12536A>C (p.Glu4179Ala)

Gene: TTN (titin; minus strand). Cytogenetic location: 2q31.2.
Variant type: single nucleotide variant.
Coding change: c.12536A>C on transcript NM_133379.5; coding-DNA position 12536, A replaced by C.
Protein change: p.Glu4179Ala; replaces glutamic acid 4179 with alanine.
Molecular consequence: missense variant. On other transcripts: intron variant (6).
Genome position (GRCh38, 1-based): chr2:178,749,864, T>G on the plus strand (A>C on the coding strand, the complement: TTN is on the minus strand). VCF-style: chr2-178749864-T-G. GRCh37 (hg19) VCF-style: chr2-179614591-T-G.
Other names: c.10222+3260A>C (NM_003319.4); c.10798+3260A>C (NM_133437.4); c.10597+3260A>C (NM_133432.3); c.10360+3260A>C (NM_133378.4, NM_001256850.1); c.11311+3260A>C (NM_001267550.2); short protein forms E4179A.
Identifiers: ClinVar variation 166272 (VCV000166272.5), dbSNP rs568690706, ClinGen allele CA179133.